The following is an entry in ClinVar:

NM_001999.4(FBN2):c.8058C>A (p.Phe2686Leu)

Gene: FBN2 (fibrillin 2; minus strand). Cytogenetic location: 5q23.3.
Variant type: single nucleotide variant.
Coding change: c.8058C>A on transcript NM_001999.4 (MANE Select); coding-DNA position 8058, C replaced by A.
Protein change: p.Phe2686Leu; replaces phenylalanine 2686 with leucine.
Molecular consequence: missense variant.
Genome position (GRCh38, 1-based): chr5:128,263,559, G>T on the plus strand (C>A on the coding strand, the complement: FBN2 is on the minus strand). VCF-style: chr5-128263559-G-T. GRCh37 (hg19) VCF-style: chr5-127599251-G-T.
Other names: short protein forms F2686L.
Identifiers: ClinVar variation 234845 (VCV000234845.17), dbSNP rs150734807, ClinGen allele CA3393943.
Genomic context (GRCh38, chr5:128,263,559, plus strand): 5'-GCAGGGGTTCTTGGAGGACGAGCACTCATTCACGTCGTGGCAGGCACTGGAGAACTGGTC[G>T]AAGGAGAACCCCGAGGGGCAGGCGCACTTGTAACTCCCCAGGGTGTTGTAGCAGGAAGCA-3'
Protein context (NP_001990.2, residues 2676-2696): YKCACPSGFS[Phe2686Leu]DQFSSACHDV

ClinVar aggregate classification (germline): Conflicting classifications of pathogenicity. Review status: criteria provided, conflicting classifications (1 of 4 stars). 4 submissions from 4 submitters: Uncertain significance (3); Benign (1). Last evaluated 2025-09-29.

Conditions:
Macular degeneration, early-onset (EOMD). Identifiers: MedGen C4015286, MONDO:0014501, OMIM 616118.
Congenital contractural arachnodactyly (CCA). Also called: BEALS SYNDROME; Beals-Hecht syndrome; Arthrogryposis, distal, type 9. Identifiers: Orphanet 115, MedGen C0220668, MONDO:0007363, OMIM 121050.
Familial thoracic aortic aneurysm and aortic dissection (TAAD). Also called: Thoracic aortic aneurysms and dissections. Identifiers: Orphanet 91387, MedGen C4707243, MONDO:0019625.

Allele frequency attached by ClinVar (database versions not stated): TOPMed 0.00002; gnomAD 0.00006; ESP Exome Variant Server 0.00008.
gnomAD v4.1: 29 of 1,614,016 alleles (0.0018%); highest among the groups gnomAD compares: Middle Eastern, 0.016%; no homozygotes.

Submissions (4):

Labcorp Genetics (formerly Invitae), Labcorp
Classification: Benign for Congenital contractural arachnodactyly. Last evaluated: 2025-09-29. Review status: criteria provided, single submitter. Criteria: Invitae Variant Classification Sherloc (09022015). Collection method: clinical testing. Allele origin: germline.

GeneDx
Classification: Uncertain significance. Last evaluated: 2025-09-02. Review status: criteria provided, single submitter. Criteria: GeneDx Variant Classification Process June 2021. Collection method: clinical testing. Allele origin: germline. Affected: yes.
Comment: Reported previously as a heterozygous variant of uncertain significance in a patient with probable Stargardt disease; however, no specific clinical information was provided and the patient also harbored other variants including two pathogenic variants in the ABCA4 gene (PMID: 37734845); Although located in a calcium-binding EGF-like domain of the FBN2 gene, it does not substitute or introduce a cysteine residue (PMID: 19006240, 18767143); In silico analysis supports that this missense variant has a deleterious effect on protein structure/function; This variant is associated with the following publications: (PMID: 19006240, 18767143, 37734845)

Ambry Genetics
Classification: Uncertain significance for Familial thoracic aortic aneurysm and aortic dissection. Last evaluated: 2024-08-22. Review status: criteria provided, single submitter. Criteria: Ambry Variant Classification Scheme 2023. Collection method: clinical testing. Allele origin: germline.
Comment: The p.F2686L variant (also known as c.8058C>A), located in coding exon 63 of the FBN2 gene, results from a C to A substitution at nucleotide position 8058. The phenylalanine at codon 2686 is replaced by leucine, an amino acid with highly similar properties, and is located in the cb EGF-like #43 domain. This amino acid position is well conserved in available vertebrate species. In addition, the in silico prediction for this alteration is inconclusive. Since supporting evidence is limited at this time, the clinical significance of this alteration remains unclear.

Department of Pathology and Laboratory Medicine, Sinai Health System
Classification: Uncertain significance for Congenital contractural arachnodactyly; Macular degeneration, early-onset. Last evaluated: 2021-10-24. Review status: criteria provided, single submitter. Criteria: ACMG Guidelines, 2015. Collection method: research. Allele origin: germline.